The following is an entry in ClinVar:

ClinVar aggregate classification (germline): Uncertain significance (1 of 4 stars; one submission).

Conditions:
Cardiovascular phenotype. Identifiers: MedGen CN230736.

gnomAD v4.1: 1 of 1,614,182 alleles (0.000062%); highest among the groups gnomAD compares: Non-Finnish European, 0.000085%; no homozygotes.

Submission:

Ambry Genetics
Classification: Uncertain significance for Cardiovascular phenotype. Last evaluated: 2024-08-07. Review status: criteria provided, single submitter. Criteria: Ambry Variant Classification Scheme 2023. Collection method: clinical testing. Allele origin: germline.
Comment: The p.A592D variant (also known as c.1775C>A), located in coding exon 13 of the TRPM4 gene, results from a C to A substitution at nucleotide position 1775. The alanine at codon 592 is replaced by aspartic acid, an amino acid with dissimilar properties. This amino acid position is conserved. In addition, this alteration is predicted to be deleterious by in silico analysis. Based on the available evidence, the clinical significance of this variant remains unclear.

NM_017636.4(TRPM4):c.1775C>A (p.Ala592Asp)

Gene: TRPM4 (transient receptor potential cation channel subfamily M member 4; plus strand). Cytogenetic location: 19q13.33.
Variant type: single nucleotide variant.
Coding change: c.1775C>A on transcript NM_017636.4 (MANE Select); coding-DNA position 1775, C replaced by A.
Protein change: p.Ala592Asp; replaces alanine 592 with aspartic acid.
Molecular consequence: missense variant.
Genome position (GRCh38, 1-based): chr19:49,188,672, C>A. VCF-style: chr19-49188672-C-A. GRCh37 (hg19) VCF-style: chr19-49691929-C-A.
Other names: c.1775C>A, p.Ala592Asp (NM_001195227.2); c.1430C>A, p.Ala477Asp (NM_001321281.2); c.167C>A, p.Ala56Asp (NM_001321282.2); c.1253C>A, p.Ala418Asp (NM_001321283.2); c.713C>A, p.Ala238Asp (NM_001321285.2); short protein forms A238D, A418D, A477D, A56D, A592D.
Identifiers: ClinVar variation 3462132 (VCV003462132.1).
Genomic context (GRCh38, chr19:49,188,672, plus strand): 5'-ACGCATCCGTGCCCTCTTTGTCTCTCCAGGGTTCCAATGCAGTTTCCTCAGCTCTTGGGG[C>A]CTGTTTGCTGCTCCGGGTGATGGCACGCCTGGAGCCTGACGCTGAGGAGGCAGCACGGAG-3'
Protein context (NP_060106.2, residues 582-602): GSNAVSSALG[Ala592Asp]CLLLRVMARL